The following is an entry in ClinVar:

NM_006915.3(RP2):c.68G>A (p.Arg23Gln)

Genes: RP2 (RP2 activator of ARL3 GTPase; plus strand), LOC130068202 (ATAC-STARR-seq lymphoblastoid active region 29577; plus strand). Cytogenetic location: Xp11.3.
Variant type: single nucleotide variant.
Coding change: c.68G>A on transcript NM_006915.3 (MANE Select); coding-DNA position 68, G replaced by A.
Protein change: p.Arg23Gln; replaces arginine 23 with glutamine.
Molecular consequence: missense variant.
Genome position (GRCh38, 1-based): chrX:46,837,168, G>A. VCF-style: chrX-46837168-G-A. GRCh37 (hg19) VCF-style: chrX-46696603-G-A.
Other names: short protein forms R23Q.
Identifiers: ClinVar variation 1502015 (VCV001502015.8), dbSNP rs782167265, ClinGen allele CA10394169.

ClinVar aggregate classification (germline): Uncertain significance (1 of 4 stars; one submission).

Allele frequency attached by ClinVar (database versions not stated): gnomAD 0.00001; TOPMed 0.00001.

Submission:

Labcorp Genetics (formerly Invitae), Labcorp
Classification: Uncertain significance. Last evaluated: 2021-01-12. Review status: criteria provided, single submitter. Criteria: Invitae Variant Classification Sherloc (09022015). Collection method: clinical testing. Allele origin: germline.
Comment: This variant has not been reported in the literature in individuals with RP2-related conditions. In summary, the available evidence is currently insufficient to determine the role of this variant in disease. Therefore, it has been classified as a Variant of Uncertain Significance. Algorithms developed to predict the effect of missense changes on protein structure and function output the following: SIFT: "Tolerated"; PolyPhen-2: "Benign"; Align-GVGD: "Class C0". The glutamine amino acid residue is found in multiple mammalian species, suggesting that this missense change does not adversely affect protein function. These predictions have not been confirmed by published functional studies and their clinical significance is uncertain. The frequency data for this variant in the population databases is considered unreliable, as metrics indicate poor data quality at this position in the ExAC database. This sequence change replaces arginine with glutamine at codon 23 of the RP2 protein (p.Arg23Gln). The arginine residue is weakly conserved and there is a small physicochemical difference between arginine and glutamine.